The following is an entry in ClinVar:

ClinVar aggregate classification (germline): Benign. Review status: criteria provided, multiple submitters, no conflicts (2 of 4 stars). 2 submissions from 2 submitters: Benign (2). Last evaluated 2018-01-12.

Conditions:
Congenital disorder of glycosylation (CDG). Also called: Carbohydrate-deficient glycoprotein syndrome; Congenital disorders of glycosylation. Identifiers: Orphanet 137, MedGen C0282577, MONDO:0015286.

Allele frequency attached by ClinVar (database versions not stated): gnomAD 0.20325 and 0.20528; 1000 Genomes Project 0.21326; TOPMed 0.21704; 1000 Genomes Project 30x 0.21924.

Submissions (2):

Illumina Laboratory Services, Illumina
Classification: Benign for Congenital disorder of glycosylation. Last evaluated: 2018-01-12. Review status: criteria provided, single submitter. Criteria: ICSL Variant Classification Criteria 13 December 2019. Collection method: clinical testing. Allele origin: germline.
Comment: This variant was observed in the ICSL laboratory as part of a predisposition screen in an ostensibly healthy population. It had not been previously curated by ICSL or reported in the Human Gene Mutation Database (HGMD: prior to June 1st, 2018), and was therefore a candidate for classification through an automated scoring system. Utilizing variant allele frequency, disease prevalence and penetrance estimates, and inheritance mode, an automated score was calculated to assess if this variant is too frequent to cause the disease. Based on the score and internal cut-off values, a variant classified as benign is not then subjected to further curation. The score for this variant resulted in a classification of benign for this disease.

Breakthrough Genomics
Classification: Benign. Review status: criteria provided, single submitter. Criteria: ACMG Guidelines, 2015. Collection method: not provided. Allele origin: germline. Inheritance: Autosomal recessive inheritance. Affected: yes.

NM_006765.4(TUSC3):c.*1193A>G

Gene: TUSC3 (tumor suppressor candidate 3; plus strand). Cytogenetic location: 8p22.
Variant type: single nucleotide variant.
Coding change: c.*1193A>G on transcript NM_006765.4 (MANE Select); 1193 bases downstream of the stop codon, A replaced by G.
Molecular consequence: 3 prime UTR variant.
Genome position (GRCh38, 1-based): chr8:15,765,349, A>G. VCF-style: chr8-15765349-A-G. GRCh37 (hg19) VCF-style: chr8-15622858-A-G.
Other names: c.*1131A>G (NM_178234.2).
Identifiers: ClinVar variation 362328 (VCV000362328.6), dbSNP rs987926, ClinGen allele CA10625059.